The following is an entry in ClinVar:

ClinVar aggregate classification (germline): Uncertain significance. Review status: criteria provided, multiple submitters, no conflicts (2 of 4 stars). 2 submissions from 2 submitters: Uncertain significance (2). Last evaluated 2025-11-17.

Conditions:
PI4KA-related disorder. Also called: PI4KA-related condition; PI4KA-related disorders. Identifiers: MedGen CN378147, MONDO:1040012.

Allele frequency attached by ClinVar (database versions not stated): gnomAD exomes 0.00002; ExAC 0.00003; gnomAD 0.00003; TOPMed 0.00004.
gnomAD v4.1: 34 of 1,613,110 alleles (0.0021%); highest among the groups gnomAD compares: Non-Finnish European, 0.000085%; no homozygotes.

Submissions (2):

PreventionGenetics, part of Exact Sciences
Classification: Uncertain significance for PI4KA-related condition. Last evaluated: 2025-11-17. Review status: criteria provided, single submitter. Criteria: ACMG Guidelines, 2015. Collection method: clinical testing. Allele origin: germline.
Comment: The PI4KA c.2116T>A variant is predicted to result in the amino acid substitution p.Ser706Thr. To our knowledge, this variant has not been reported in the literature. This variant is reported in 0.11% of alleles in individuals of Ashkenazi Jewish descent in gnomAD. Although we suspect that this variant may be benign, at this time, the clinical significance of this variant is uncertain due to the absence of conclusive functional and genetic evidence.

CeGaT Center for Human Genetics Tuebingen
Classification: Uncertain significance. Last evaluated: 2023-01-01. Review status: criteria provided, single submitter. Criteria: CeGaT Center For Human Genetics Tuebingen Variant Classification Criteria Version 2. Collection method: clinical testing. Allele origin: germline. Affected: yes. Observed: 1 variant allele.
Comment: PI4KA: PM2, PP2

NM_058004.4(PI4KA):c.2116T>A (p.Ser706Thr)

Gene: PI4KA (phosphatidylinositol 4-kinase alpha; minus strand). Cytogenetic location: 22q11.21.
Variant type: single nucleotide variant.
Coding change: c.2116T>A on transcript NM_058004.4 (MANE Select); coding-DNA position 2116, T replaced by A.
Protein change: p.Ser706Thr; replaces serine 706 with threonine.
Molecular consequence: missense variant.
Genome position (GRCh38, 1-based): chr22:20,796,307, A>T on the plus strand (T>A on the coding strand, the complement: PI4KA is on the minus strand). VCF-style: chr22-20796307-A-T. GRCh37 (hg19) VCF-style: chr22-21150595-A-T.
Other names: c.2116T>A (NM_058004.3); c.2116T>A, p.Ser706Thr (NM_001362862.2); c.2050T>A, p.Ser684Thr (NM_001362863.2); short protein forms S684T, S706T.
Identifiers: ClinVar variation 2498901 (VCV002498901.29), dbSNP rs201223292, ClinGen allele CA10116231.